The following is an entry in ClinVar:

ClinVar aggregate classification (germline): Uncertain significance (1 of 4 stars; one submission).

Conditions:
Ataxia-telangiectasia syndrome (AT). Also called: ATAXIA-TELANGIECTASIA, COMPLEMENTATION GROUP A; ATAXIA-TELANGIECTASIA, FRESNO VARIANT; Ataxia-telangiectasia; Ataxia-telangiectasia, complementation group D; AT, COMPLEMENTATION GROUP C; Ataxia-telangiectasia, complementation group E. Identifiers: Orphanet 100, MedGen C0004135, MONDO:0008840, OMIM 208900.

Submission:

Labcorp Genetics (formerly Invitae), Labcorp
Classification: Uncertain significance for Ataxia-telangiectasia syndrome. Last evaluated: 2024-11-24. Review status: criteria provided, single submitter. Criteria: Invitae Variant Classification Sherloc (09022015). Collection method: clinical testing. Allele origin: germline.
Comment: This sequence change replaces alanine, which is neutral and non-polar, with threonine, which is neutral and polar, at codon 2054 of the ATM protein (p.Ala2054Thr). This variant is not present in population databases (gnomAD no frequency). This variant has not been reported in the literature in individuals affected with ATM-related conditions. ClinVar contains an entry for this variant (Variation ID: 846567). Invitae Evidence Modeling of protein sequence and biophysical properties (such as structural, functional, and spatial information, amino acid conservation, physicochemical variation, residue mobility, and thermodynamic stability) indicates that this missense variant is not expected to disrupt ATM protein function with a negative predictive value of 95%. In summary, the available evidence is currently insufficient to determine the role of this variant in disease. Therefore, it has been classified as a Variant of Uncertain Significance.

NM_000051.4(ATM):c.6160G>A (p.Ala2054Thr)

Genes: ATM (ATM serine/threonine kinase; plus strand), C11orf65 (chromosome 11 open reading frame 65; minus strand). Cytogenetic location: 11q22.3.
Variant type: single nucleotide variant.
Coding change: c.6160G>A on transcript NM_000051.4 (MANE Select); coding-DNA position 6160, G replaced by A.
Protein change: p.Ala2054Thr; replaces alanine 2054 with threonine.
Molecular consequence: missense variant. On other transcripts: intron variant (2).
Genome position (GRCh38, 1-based): chr11:108,316,075, G>A. VCF-style: chr11-108316075-G-A. GRCh37 (hg19) VCF-style: chr11-108186802-G-A.
Other names: c.6160G>A, p.Ala2054Thr (NM_001351834.2); c.641-7004C>T (NM_001330368.2); c.*39-7004C>T (NM_001351110.2); short protein forms A2054T.
Identifiers: ClinVar variation 846567 (VCV000846567.8), dbSNP rs587779853, ClinGen allele CA382550628.